The following is an entry in ClinVar:

ClinVar aggregate classification (germline): Uncertain significance (1 of 4 stars; one submission).

gnomAD v4.1: 28 of 1,613,506 alleles (0.0017%); highest among the groups gnomAD compares: Non-Finnish European, 0.0024%; no homozygotes.

Submission:

Labcorp Genetics (formerly Invitae), Labcorp
Classification: Uncertain significance. Last evaluated: 2025-10-22. Review status: criteria provided, single submitter. Criteria: Invitae Variant Classification Sherloc (09022015). Collection method: clinical testing. Allele origin: germline.
Comment: This sequence change falls in intron 3 of the RIPK1 gene. It does not directly change the encoded amino acid sequence of the RIPK1 protein. It affects a nucleotide within the consensus splice site. This variant is present in population databases (rs773239446, gnomAD 0.002%). This variant has not been reported in the literature in individuals affected with RIPK1-related conditions. ClinVar contains an entry for this variant (Variation ID: 3656440). Variants that disrupt the consensus splice site are a relatively common cause of aberrant splicing (PMID: 17576681, 9536098). Algorithms developed to predict the effect of sequence changes on RNA splicing suggest that this variant is not likely to affect RNA splicing. In summary, the available evidence is currently insufficient to determine the role of this variant in disease. Therefore, it has been classified as a Variant of Uncertain Significance.

Literature cited by the submitters: PubMed 17576681; PubMed 9536098.

NM_001354930.2(RIPK1):c.321+4G>A

Gene: RIPK1 (receptor interacting serine/threonine kinase 1; plus strand). Cytogenetic location: 6p25.2.
Variant type: single nucleotide variant.
Coding change: c.321+4G>A on transcript NM_001354930.2 (MANE Select); 4 bases into the intron after coding-DNA position 321, G replaced by A.
Molecular consequence: intron variant.
Genome position (GRCh38, 1-based): chr6:3,077,939, G>A. VCF-style: chr6-3077939-G-A. GRCh37 (hg19) VCF-style: chr6-3078173-G-A.
Other names: c.-283+4G>A (NM_001317061.3, NM_001354932.2, NM_001354934.2 and 1 more transcripts); c.321+4G>A (NM_003804.6, NM_001354931.2).
Identifiers: ClinVar variation 3656440 (VCV003656440.2).
Genomic context (GRCh38, chr6:3,077,939, plus strand): 5'-TCCCTGGTGATGGAGTACATGGAGAAGGGCAACCTGATGCACGTGCTGAAAGCCGAGGTA[G>A]AGAGGGCCCCTCCGCACGGGGATCCCCAGCGCTTGGGCCCTGGCTGTCTGTTATGGCTCC-3'